The following is an entry in ClinVar:

NM_152594.3(SPRED1):c.53G>T (p.Arg18Leu)

Gene: SPRED1 (sprouty related EVH1 domain containing 1; plus strand). Cytogenetic location: 15q14.
Variant type: single nucleotide variant.
Coding change: c.53G>T on transcript NM_152594.3 (MANE Select); coding-DNA position 53, G replaced by T.
Protein change: p.Arg18Leu; replaces arginine 18 with leucine.
Molecular consequence: missense variant.
Genome position (GRCh38, 1-based): chr15:38,299,393, G>T. VCF-style: chr15-38299393-G-T. GRCh37 (hg19) VCF-style: chr15-38591594-G-T.
Other names: c.53G>T (NM_152594.2); short protein forms R18L.
Identifiers: ClinVar variation 2737958 (VCV002737958.4), dbSNP rs758855467, ClinGen allele CA391933825.

ClinVar aggregate classification (germline): Uncertain significance. Review status: criteria provided, multiple submitters, no conflicts (2 of 4 stars). 2 submissions from 2 submitters: Uncertain significance (2). Last evaluated 2024-12-10.

Conditions:
Legius syndrome. Identifiers: Orphanet 137605, MedGen C1969623, MONDO:0012669, OMIM 611431. Disease mechanism: loss of function.
Cardiovascular phenotype. Identifiers: MedGen CN230736.

gnomAD v4.1: 5 of 1,613,812 alleles (0.00031%); highest among the groups gnomAD compares: Non-Finnish European, 0.00034%; no homozygotes.

Submissions (2):

Ambry Genetics
Classification: Uncertain significance for Cardiovascular phenotype. Last evaluated: 2024-12-10. Review status: criteria provided, single submitter. Criteria: Ambry Variant Classification Scheme 2023. Collection method: clinical testing. Allele origin: germline.
Comment: The p.R18L variant (also known as c.53G>T), located in coding exon 2 of the SPRED1 gene, results from a G to T substitution at nucleotide position 53. The arginine at codon 18 is replaced by leucine, an amino acid with dissimilar properties. This amino acid position is conserved. In addition, this alteration is predicted to be deleterious by in silico analysis. Based on the available evidence, the clinical significance of this variant remains unclear.

Labcorp Genetics (formerly Invitae), Labcorp
Classification: Uncertain significance for Legius syndrome. Last evaluated: 2023-06-29. Review status: criteria provided, single submitter. Criteria: Invitae Variant Classification Sherloc (09022015). Collection method: clinical testing. Allele origin: germline.
Comment: In summary, the available evidence is currently insufficient to determine the role of this variant in disease. Therefore, it has been classified as a Variant of Uncertain Significance. Advanced modeling of protein sequence and biophysical properties (such as structural, functional, and spatial information, amino acid conservation, physicochemical variation, residue mobility, and thermodynamic stability) has been performed at Invitae for this missense variant, however the output from this modeling did not meet the statistical confidence thresholds required to predict the impact of this variant on SPRED1 protein function. This sequence change replaces arginine, which is basic and polar, with leucine, which is neutral and non-polar, at codon 18 of the SPRED1 protein (p.Arg18Leu). This variant is present in population databases (no rsID available, gnomAD 0.0009%). This variant has not been reported in the literature in individuals affected with SPRED1-related conditions.